The following is an entry in ClinVar:

NM_020949.3(SLC7A14):c.848C>T (p.Thr283Met)

Genes: SLC7A14 (solute carrier family 7 member 14; minus strand), SLC7A14-AS1 (SLC7A14 antisense RNA 1; plus strand). Cytogenetic location: 3q26.2.
Variant type: single nucleotide variant.
Coding change: c.848C>T on transcript NM_020949.3 (MANE Select); coding-DNA position 848, C replaced by T.
Protein change: p.Thr283Met; replaces threonine 283 with methionine.
Molecular consequence: missense variant.
Genome position (GRCh38, 1-based): chr3:170,486,280, G>A on the plus strand (C>T on the coding strand, the complement: SLC7A14 is on the minus strand). VCF-style: chr3-170486280-G-A. GRCh37 (hg19) VCF-style: chr3-170204069-G-A.
Other names: c.848C>T (NM_020949.2); short protein forms T283M.
Identifiers: ClinVar variation 1406262 (VCV001406262.8), dbSNP rs749136940, ClinGen allele CA2701792.

ClinVar aggregate classification (germline): Uncertain significance. Review status: criteria provided, multiple submitters, no conflicts (2 of 4 stars). 4 submissions from 4 submitters: Uncertain significance (3). 1 of the submissions does not count toward it. Last evaluated 2025-12-10.

Conditions:
Retinal dystrophy. Also called: Inherited retinal dystrophy. Identifiers: Orphanet 71862, MedGen C0854723, MeSH D058499, MONDO:0019118, HP:0000556.

Allele frequency attached by ClinVar (database versions not stated): TOPMed below 0.00001; gnomAD 0.00001; gnomAD exomes 0.00001 and 0.00002; ExAC 0.00002.
gnomAD v4.1: 17 of 1,614,124 alleles (0.0011%); highest among the groups gnomAD compares: South Asian, 0.0044%; no homozygotes.

Submissions (4):

Labcorp Genetics (formerly Invitae), Labcorp
Classification: Uncertain significance. Last evaluated: 2025-12-10. Review status: criteria provided, single submitter. Criteria: Invitae Variant Classification Sherloc (09022015). Collection method: clinical testing. Allele origin: germline.
Comment: This sequence change replaces threonine, which is neutral and polar, with methionine, which is neutral and non-polar, at codon 283 of the SLC7A14 protein (p.Thr283Met). This variant is present in population databases (rs749136940, gnomAD 0.006%). This variant has not been reported in the literature in individuals affected with SLC7A14-related conditions. ClinVar contains an entry for this variant (Variation ID: 1406262). An algorithm developed to predict the effect of missense changes on protein structure and function (PolyPhen-2) suggests that this variant is likely to be disruptive. In summary, the available evidence is currently insufficient to determine the role of this variant in disease. Therefore, it has been classified as a Variant of Uncertain Significance.

Ambry Genetics
Classification: Uncertain significance. Last evaluated: 2025-01-08. Review status: criteria provided, single submitter. Criteria: Ambry Variant Classification Scheme 2023. Collection method: clinical testing. Allele origin: germline.

Blueprint Genetics
Classification: Uncertain significance. Last evaluated: 2023-12-20. Review status: criteria provided, single submitter. Criteria: ACMG Guidelines, 2015. Collection method: clinical testing. Allele origin: germline.

Institute of Human Genetics, Univ. Regensburg, Univ. Regensburg
Classification: Uncertain significance for Retinal dystrophy. Last evaluated: 2023-01-01. Review status: no assertion criteria provided. Criteria: ACMG Guidelines, 2015. Collection method: clinical testing. Allele origin: germline. Affected: yes. Not counted in ClinVar's aggregate classification.